The following is an entry in ClinVar:

NM_001171.6(ABCC6):c.2420G>A (p.Arg807Gln)

Gene: ABCC6 (ATP binding cassette subfamily C member 6; minus strand). Cytogenetic location: 16p13.11.
Variant type: single nucleotide variant.
Coding change: c.2420G>A on transcript NM_001171.6 (MANE Select); coding-DNA position 2420, G replaced by A.
Protein change: p.Arg807Gln; replaces arginine 807 with glutamine.
Molecular consequence: missense variant.
Genome position (GRCh38, 1-based): chr16:16,177,622, C>T on the plus strand (G>A on the coding strand, the complement: ABCC6 is on the minus strand). VCF-style: chr16-16177622-C-T. GRCh37 (hg19) VCF-style: chr16-16271479-C-T.
Other names: c.2078G>A, p.Arg693Gln (NM_001351800.1); short protein forms R807Q, R693Q.
Identifiers: ClinVar variation 381638 (VCV000381638.18), dbSNP rs72653794, ClinGen allele CA7925918.

ClinVar aggregate classification (germline): Pathogenic/Likely pathogenic. Review status: criteria provided, multiple submitters, no conflicts (2 of 4 stars). 9 submissions from 9 submitters: Pathogenic (5); Likely pathogenic (3). 1 of the submissions does not count toward it. Last evaluated 2026-09-15.

Conditions:
ABCC6-related disorder. Also called: ABCC6-related condition.
Arterial calcification, generalized, of infancy, 2. Identifiers: Orphanet 51608, MedGen C3276161, MONDO:0013768, OMIM 614473.
Autosomal recessive inherited pseudoxanthoma elasticum (PXE). Identifiers: Orphanet 758, MedGen CN032334, MONDO:0009925, OMIM 264800.
Pseudoxanthoma elasticum, forme fruste. Also called: Pseudoxanthoma Elasticum, Incomplete; PSEUDOXANTHOMA ELASTICUM, HETEROZYGOUS. Identifiers: Orphanet 758, MedGen C1867450, MONDO:0008333, OMIM 177850.

Allele frequency attached by ClinVar (database versions not stated): gnomAD exomes 0.00002 and 0.00005; ExAC 0.00003; gnomAD 0.00003; TOPMed 0.00005.

Submissions (10):

PreventionGenetics, part of Exact Sciences
Classification: Pathogenic for ABCC6-related condition. Last evaluated: 2026-09-15. Review status: criteria provided, single submitter. Criteria: ACMG Guidelines, 2015. Collection method: clinical testing. Allele origin: germline.
Comment: The ABCC6 c.2420G>A variant is predicted to result in the amino acid substitution p.Arg807Gln. This variant was reported in individuals with autosomal recessive pseudoxanthoma elasticum (Table 1, Miksch et al. 2005. PubMed ID: 16086317; Table S1, Saeidian et al. 2021. PubMed ID: 34906475; Table S1, Stumpf et al. 2022. PubMed ID: 35261845; Table S1, Verschuere et al. 2021. PubMed ID: 32873932). This variant is reported in 0.0044% of alleles in individuals of European (Non-Finnish) descent in gnomAD. Other variants affecting the same amino acid position, c.2419C>T, p.(Arg807Trp) and c.2419C>G, p.(Arg807Gly), have been reported in individuals with pseudoxanthoma elasticum (for example, Table S1, Verschuere et al. 2021. PubMed ID: 32873932; Table S1, Boraldi et al. 2021. PubMed ID: 34205333; Jin et al. 2021. PubMed ID: 34440381). This c.2420G>A, p.(Arg807Gln) variant is interpreted as pathogenic.

Labcorp Genetics (formerly Invitae), Labcorp
Classification: Pathogenic. Last evaluated: 2025-08-29. Review status: criteria provided, single submitter. Criteria: Invitae Variant Classification Sherloc (09022015). Collection method: clinical testing. Allele origin: germline.
Comment: This sequence change replaces arginine, which is basic and polar, with glutamine, which is neutral and polar, at codon 807 of the ABCC6 protein (p.Arg807Gln). This variant is present in population databases (rs72653794, gnomAD 0.005%). This missense change has been observed in individuals with pseudoxanthoma elasticum (PMID: 16086317, 18513494, 32873932). ClinVar contains an entry for this variant (Variation ID: 381638). Invitae Evidence Modeling of protein sequence and biophysical properties (such as structural, functional, and spatial information, amino acid conservation, physicochemical variation, residue mobility, and thermodynamic stability) indicates that this missense variant is expected to disrupt ABCC6 protein function with a positive predictive value of 95%. For these reasons, this variant has been classified as Pathogenic.

Fulgent Genetics
Classification: Pathogenic for Pseudoxanthoma elasticum, forme fruste; Autosomal recessive inherited pseudoxanthoma elasticum; Arterial calcification, generalized, of infancy, 2. Last evaluated: 2024-03-15. Review status: criteria provided, single submitter. Criteria: ACMG Guidelines, 2015. Collection method: clinical testing. Allele origin: germline.

Institute of Human Genetics, University of Leipzig Medical Center
Classification: Pathogenic for Autosomal recessive inherited pseudoxanthoma elasticum. Last evaluated: 2023-08-16. Review status: criteria provided, single submitter. Criteria: ACMG Guidelines, 2015. Collection method: clinical testing. Allele origin: unknown. Inheritance: Autosomal recessive inheritance. Affected: yes.
Comment: Criteria applied: PM3_STR,PM5_STR,PM2_SUP,PP3; Identified as compund heterozygous with NM_001171.6:c.4209-2A>C

Blueprint Genetics
Classification: Likely pathogenic for ABCC6-related disorders. Last evaluated: 2023-07-21. Review status: criteria provided, single submitter. Criteria: ACMG Guidelines, 2015. Collection method: clinical testing. Allele origin: germline. Affected: yes. Observed: 5 variant alleles.

Women's Health and Genetics/Laboratory Corporation of America, LabCorp
Classification: Pathogenic for Pseudoxanthoma elasticum. Last evaluated: 2022-03-29. Review status: criteria provided, single submitter. Criteria: LabCorp Variant Classification Summary - May 2015. Collection method: clinical testing. Allele origin: germline.
Comment: Variant summary: ABCC6 c.2420G>A (p.Arg807Gln) results in a conservative amino acid change located in the ATP-binding domain (IPR003439) of the encoded protein sequence. Four of five in-silico tools predict a damaging effect of the variant on protein function. The variant allele was found at a frequency of 2.4e-05 in 251326 control chromosomes (gnomAD). c.2420G>A has been reported in the literature in multiple individuals affected with Pseudoxanthoma Elasticum (e.g. Miksch_2005, Garcia-Fernandez_2008, Kringen_2015, Verschuere_2021). Other missense variants affecting the same residue (R807W, R807G) have been also reported in patients affected with Pseudoxanthoma Elasticum (HGMD). These data indicate that the variant is very likely to be associated with disease. Three submitters have submitted clinical-significance assessments for this variant to ClinVar after 2014 and classified the variant as pathogenic (n=2) and likely pathogenic (n=1). Based on the evidence outlined above, the variant was classified as pathogenic.

Genetics and Genomic Medicine Centre, NeuroGen Healthcare, NeuroGen Healthcare
Classification: Likely pathogenic for Arterial calcification, generalized, of infancy, 2. Last evaluated: 2020-09-16. Review status: criteria provided, single submitter. Criteria: Submitter's publication. Collection method: clinical testing. Allele origin: unknown. Affected: no.

GeneDx
Classification: Likely pathogenic. Last evaluated: 2016-09-06. Review status: criteria provided, single submitter. Criteria: GeneDx Variant Classification (06012015). Collection method: clinical testing. Allele origin: germline. Affected: yes.
Comment: The R807Q likely pathogenic variant has been reported in the compound heterozgyous state with another variant in patients with PXE (Miksch et al., 2005; Garcia-Fernandez et al., 2008). The R807Q variant was not observed at any significant frequency in approximately 6500 individuals of European and African American ancestry in the NHLBI Exome Sequencing Project. The R807Q variant is a semi-conservative amino acid substitution, which may impact secondary protein structure as these residues differ in some properties. This substitution occurs at a position that is conserved across species, and in silico analysis predicts this variant is probably damaging to the protein structure/function. Missense variants at the same residue (R807W) and in nearby residues (V810M, T811M) have been reported in the Human Gene Mutation Database in association with PXE (Stenson et al., 2014), supporting the functional importance of this region of the protein. Therefore, this variant is likely pathogenic; however, the possibility that it is benign cannot be excluded.

PXE International
Classification: Pathogenic for Autosomal recessive inherited pseudoxanthoma elasticum. Last evaluated: 2021-03-01. Review status: no assertion criteria provided. Collection method: research. Allele origin: germline. Inheritance: Autosomal recessive inheritance. Affected: yes. Observed: 3 variant alleles. Clinical features observed: Papule (HP:0200034), Skin plaque (HP:0200035), Angioid streaks (HP:0001102), Kidney stone (HP:0000787), Abnormally lax or hyperextensible skin (HP:0008067), Retinal hemorrhage (HP:0000573), Vascular surgery, Angina pectoris (HP:0001681), Abnormal EKG (HP:0003115). Not counted in ClinVar's aggregate classification.

Dr. Peter K. Rogan Lab, Western University
No classification provided (evidence only). Condition: Lung cancer. Review status: no classification provided. Collection method: in vitro. Allele origin: not applicable. Functional consequence: skipped exon. Not counted in ClinVar's aggregate classification.

Literature cited by the submitters: PubMed 16086317 (cited by Labcorp Genetics (formerly Invitae), Labcorp and Women's Health and Genetics/Laboratory Corporation of America, LabCorp); PubMed 18513494 (cited by Labcorp Genetics (formerly Invitae), Labcorp and Women's Health and Genetics/Laboratory Corporation of America, LabCorp); PubMed 32873932 (cited by 3 submitters); PubMed 26029710 (cited by Women's Health and Genetics/Laboratory Corporation of America, LabCorp); PubMed 28102862 (cited by Women's Health and Genetics/Laboratory Corporation of America, LabCorp).